The following is an entry in ClinVar:

ClinVar aggregate classification (germline): Uncertain significance (1 of 4 stars; one submission).

Conditions:
Multiple endocrine neoplasia, type 2 (MEN2). Identifiers: Orphanet 653, MedGen C4048306, MONDO:0019003. Disease mechanism: gain of function.

Submission:

Labcorp Genetics (formerly Invitae), Labcorp
Classification: Uncertain significance for Multiple endocrine neoplasia, type 2. Last evaluated: 2020-03-29. Review status: criteria provided, single submitter. Criteria: Invitae Variant Classification Sherloc (09022015). Collection method: clinical testing. Allele origin: germline.
Comment: In summary, the available evidence is currently insufficient to determine the role of this variant in disease. Therefore, it has been classified as a Variant of Uncertain Significance. Algorithms developed to predict the effect of missense changes on protein structure and function are either unavailable or do not agree on the potential impact of this missense change (SIFT: "Tolerated"; PolyPhen-2: "Probably Damaging"; Align-GVGD: "Class C0"). This variant has not been reported in the literature in individuals with RET-related conditions. This variant is not present in population databases (ExAC no frequency). This sequence change replaces alanine with valine at codon 487 of the RET protein (p.Ala487Val). The alanine residue is highly conserved and there is a small physicochemical difference between alanine and valine.

NM_020975.6(RET):c.1460C>T (p.Ala487Val)

Gene: RET (ret proto-oncogene; plus strand). Cytogenetic location: 10q11.21.
Variant type: single nucleotide variant.
Coding change: c.1460C>T on transcript NM_020975.6 (MANE Select); coding-DNA position 1460, C replaced by T.
Protein change: p.Ala487Val; replaces alanine 487 with valine.
Molecular consequence: missense variant.
Genome position (GRCh38, 1-based): chr10:43,111,403, C>T. VCF-style: chr10-43111403-C-T. GRCh37 (hg19) VCF-style: chr10-43606851-C-T.
Other names: c.1460C>T, p.Ala487Val (NM_000323.2, NM_001406743.1, NM_001406744.1 and 6 more transcripts); c.698C>T, p.Ala233Val (NM_001355216.2); c.1331C>T, p.Ala444Val (NM_001406761.1, NM_001406762.1, NM_001406764.1 and 1 more transcripts); c.1172C>T, p.Ala391Val (NM_001406766.1, NM_001406767.1, NM_001406770.1); c.1064C>T, p.Ala355Val (NM_001406769.1, NM_001406772.1); c.1022C>T, p.Ala341Val (NM_001406771.1, NM_001406773.1); c.935C>T, p.Ala312Val (NM_001406774.1); c.734C>T, p.Ala245Val (NM_001406775.1, NM_001406776.1, NM_001406777.1 and 1 more transcripts); and 1 more; short protein forms A233V, A487V, A341V, A355V, A245V, A391V, A157V, A312V.
Identifiers: ClinVar variation 1060374 (VCV001060374.8), dbSNP rs1837922418, ClinGen allele CA376549744.